The following is an entry in ClinVar:

NM_014712.3(SETD1A):c.1709G>C (p.Gly570Ala)

Gene: SETD1A (SET domain containing 1A, histone lysine methyltransferase; plus strand). Cytogenetic location: 16p11.2.
Variant type: single nucleotide variant.
Coding change: c.1709G>C on transcript NM_014712.3 (MANE Select); coding-DNA position 1709, G replaced by C.
Protein change: p.Gly570Ala; replaces glycine 570 with alanine.
Molecular consequence: missense variant.
Genome position (GRCh38, 1-based): chr16:30,965,451, G>C. VCF-style: chr16-30965451-G-C. GRCh37 (hg19) VCF-style: chr16-30976772-G-C.
Other names: short protein forms G570A.
Identifiers: ClinVar variation 4531036 (VCV004531036.1).

ClinVar aggregate classification (germline): Uncertain significance (1 of 4 stars; one submission).

gnomAD v4.1: 1 of 1,596,140 alleles (0.000063%); highest among the groups gnomAD compares: Non-Finnish European, 0.000086%; no homozygotes.

Submission:

GeneDx
Classification: Uncertain significance. Last evaluated: 2025-05-17. Review status: criteria provided, single submitter. Criteria: GeneDx Variant Classification Process June 2021. Collection method: clinical testing. Allele origin: germline. Affected: yes.
Comment: Not observed at significant frequency in large population cohorts (gnomAD); In silico analysis suggests that this missense variant does not alter protein structure/function; Has not been previously published as pathogenic or benign to our knowledge